The following is an entry in ClinVar:

NM_000891.3(KCNJ2):c.-217+11C>T

Gene: KCNJ2 (potassium inwardly rectifying channel subfamily J member 2; plus strand). Cytogenetic location: 17q24.3.
Variant type: single nucleotide variant.
Coding change: c.-217+11C>T on transcript NM_000891.3 (MANE Select); 11 bases into the intron after 217 bases upstream of the start codon, C replaced by T.
Molecular consequence: intron variant.
Genome position (GRCh38, 1-based): chr17:70,169,712, C>T. VCF-style: chr17-70169712-C-T. GRCh37 (hg19) VCF-style: chr17-68165853-C-T.
Identifiers: ClinVar variation 392838 (VCV000392838.1), dbSNP rs1047672419, ClinGen allele CA16607501.
Genomic context (GRCh38, chr17:70,169,712, plus strand): 5'-TGTACCCCCCACTTCCACTCCATGTCCCCATGCTCCTGCGCCAGCAACAGGTAAGGGCTG[C>T]TGTGTTTTCTTCCTTTTCGCTCGCTGCCGGTGTGTCCTGGGGAATGGACTCTGGCCGCCG-3'

ClinVar aggregate classification (germline): Likely benign (1 of 4 stars; one submission).

Allele frequency attached by ClinVar (database versions not stated): gnomAD 0.00002; TOPMed 0.00005.

Submission:

GeneDx
Classification: Likely benign. Last evaluated: 2017-01-16. Review status: criteria provided, single submitter. Criteria: GeneDx Variant Classification (06012015). Collection method: clinical testing. Allele origin: germline. Affected: yes.
Comment: This variant is considered likely benign or benign based on one or more of the following criteria: it is a conservative change, it occurs at a poorly conserved position in the protein, it is predicted to be benign by multiple in silico algorithms, and/or has population frequency not consistent with disease.